The following is an entry in ClinVar:

NM_001077365.2(POMT1):c.1444G>A (p.Gly482Arg)

Gene: POMT1 (protein O-mannosyltransferase 1; plus strand). Cytogenetic location: 9q34.13.
Variant type: single nucleotide variant.
Coding change: c.1444G>A on transcript NM_001077365.2 (MANE Select); coding-DNA position 1444, G replaced by A.
Protein change: p.Gly482Arg; replaces glycine 482 with arginine.
Molecular consequence: missense variant. On other transcripts: non-coding transcript variant (10), intron variant (1).
Genome position (GRCh38, 1-based): chr9:131,518,915, G>A. VCF-style: chr9-131518915-G-A. GRCh37 (hg19) VCF-style: chr9-134394302-G-A.
Other names: c.1282G>A, p.Gly428Arg (NM_001077366.2, NM_001353194.2); c.1444G>A, p.Gly482Arg (NM_001136113.2); c.1093G>A, p.Gly365Arg (NM_001136114.2, NM_001353195.2, NM_001374691.1 and 2 more transcripts); c.1510G>A, p.Gly504Arg (NM_001353193.2, NM_007171.4); c.1354G>A, p.Gly452Arg (NM_001353196.2); c.1348G>A, p.Gly450Arg (NM_001353197.2, NM_001353198.2); c.1159G>A, p.Gly387Arg (NM_001353199.2); c.988G>A, p.Gly330Arg (NM_001353200.2); and 3 more; short protein forms G330R, G365R, G428R, G452R, G478R, G352R, G387R, G450R.
Identifiers: ClinVar variation 972029 (VCV000972029.7), dbSNP rs372354077, ClinGen allele CA5293696.

ClinVar aggregate classification (germline): Uncertain significance. Review status: criteria provided, multiple submitters, no conflicts (2 of 4 stars). 3 submissions from 3 submitters: Uncertain significance (3). Last evaluated 2024-08-19.

Conditions:
Autosomal recessive limb-girdle muscular dystrophy type 2K. Also called: MUSCULAR DYSTROPHY-DYSTROGLYCANOPATHY (LIMB-GIRDLE), TYPE C, 1; MUSCULAR DYSTROPHY, LIMB-GIRDLE, TYPE 2K. Identifiers: Orphanet 86812, MedGen C1836373, MONDO:0012248, OMIM 609308.
Walker-Warburg congenital muscular dystrophy. Also called: Muscular dystrophy-dystroglycanopathy, type A; Walker-Warburg syndrome. Identifiers: Orphanet 899, MedGen C0265221, MONDO:0000171.
Muscular dystrophy-dystroglycanopathy (congenital with impaired intellectual development), type B, 1. Also called: Muscular dystrophy-dystroglycanopathy (congenital with intellectual disability), type B1; MUSCULAR DYSTROPHY, CONGENITAL, POMT1-RELATED. Identifiers: MedGen C5436962, MONDO:0013159, OMIM 613155.
Inborn genetic diseases. Identifiers: MedGen C0950123, MeSH D030342.

Allele frequency attached by ClinVar (database versions not stated): gnomAD 0.00006 and 0.00005; ExAC 0.00007; gnomAD exomes 0.00005 and 0.00007; ESP Exome Variant Server 0.00008; TOPMed 0.00009.

Submissions (3):

Revvity Omics, Revvity
Classification: Uncertain significance. Last evaluated: 2024-08-19. Review status: criteria provided, single submitter. Criteria: ACMG Guidelines, 2015. Collection method: clinical testing. Allele origin: germline.

Labcorp Genetics (formerly Invitae), Labcorp
Classification: Uncertain significance for Muscular dystrophy-dystroglycanopathy (congenital with impaired intellectual development), type B, 1; Walker-Warburg congenital muscular dystrophy; Autosomal recessive limb-girdle muscular dystrophy type 2K. Last evaluated: 2022-10-05. Review status: criteria provided, single submitter. Criteria: Invitae Variant Classification Sherloc (09022015). Collection method: clinical testing. Allele origin: germline.
Comment: This sequence change replaces glycine, which is neutral and non-polar, with arginine, which is basic and polar, at codon 504 of the POMT1 protein (p.Gly504Arg). This variant is present in population databases (rs372354077, gnomAD 0.02%). This variant has not been reported in the literature in individuals affected with POMT1-related conditions. ClinVar contains an entry for this variant (Variation ID: 972029). Advanced modeling of protein sequence and biophysical properties (such as structural, functional, and spatial information, amino acid conservation, physicochemical variation, residue mobility, and thermodynamic stability) performed at Invitae indicates that this missense variant is not expected to disrupt POMT1 protein function. Algorithms developed to predict the effect of sequence changes on RNA splicing suggest that this variant may create or strengthen a splice site. In summary, the available evidence is currently insufficient to determine the role of this variant in disease. Therefore, it has been classified as a Variant of Uncertain Significance.

Ambry Genetics
Classification: Uncertain significance for Inborn genetic diseases. Last evaluated: 2020-11-23. Review status: criteria provided, single submitter. Criteria: Ambry Variant Classification Scheme 2023. Collection method: clinical testing. Allele origin: germline.